The following is an entry in ClinVar:

NM_000350.3(ABCA4):c.6451A>T (p.Met2151Leu)

Gene: ABCA4 (ATP binding cassette subfamily A member 4; minus strand). Cytogenetic location: 1p22.1.
Variant type: single nucleotide variant.
Coding change: c.6451A>T on transcript NM_000350.3 (MANE Select); coding-DNA position 6451, A replaced by T.
Protein change: p.Met2151Leu; replaces methionine 2151 with leucine.
Molecular consequence: missense variant.
Genome position (GRCh38, 1-based): chr1:94,000,864, T>A on the plus strand (A>T on the coding strand, the complement: ABCA4 is on the minus strand). VCF-style: chr1-94000864-T-A. GRCh37 (hg19) VCF-style: chr1-94466420-T-A.
Other names: c.6229A>T, p.Met2077Leu (NM_001425324.1); short protein forms M2151L, M2077L.
Identifiers: ClinVar variation 1465897 (VCV001465897.8), dbSNP rs1345664981, ClinGen allele CA341277281.

ClinVar aggregate classification (germline): Uncertain significance (1 of 4 stars; one submission).

Submission:

Labcorp Genetics (formerly Invitae), Labcorp
Classification: Uncertain significance. Last evaluated: 2020-12-21. Review status: criteria provided, single submitter. Criteria: Invitae Variant Classification Sherloc (09022015). Collection method: clinical testing. Allele origin: germline.
Comment: In summary, the available evidence is currently insufficient to determine the role of this variant in disease. Therefore, it has been classified as a Variant of Uncertain Significance. Advanced modeling of protein sequence and biophysical properties (such as structural, functional, and spatial information, amino acid conservation, physicochemical variation, residue mobility, and thermodynamic stability) performed at Invitae indicates that this missense variant is not expected to disrupt ABCA4 protein function. This variant has not been reported in the literature in individuals with ABCA4-related conditions. This variant is not present in population databases (ExAC no frequency). This sequence change replaces methionine with leucine at codon 2151 of the ABCA4 protein (p.Met2151Leu). The methionine residue is weakly conserved and there is a small physicochemical difference between methionine and leucine.